The following is an entry in ClinVar:

ClinVar aggregate classification (germline): Benign/Likely benign. Review status: criteria provided, multiple submitters, no conflicts (2 of 4 stars). 3 submissions from 3 submitters: Benign (1); Likely benign (2). Last evaluated 2025-12-23.

Conditions:
CREB3L3-related disorder. Also called: CREB3L3-related condition.

Allele frequency attached by ClinVar (database versions not stated): gnomAD exomes 0.00070; ExAC 0.00078; 1000 Genomes Project 0.00100; 1000 Genomes Project 30x 0.00141; gnomAD 0.00264 and 0.00294; TOPMed 0.00307; ESP Exome Variant Server 0.00354.
gnomAD v4.1: 803 of 1,613,812 alleles (0.05%); highest among the groups gnomAD compares: African/African-American, 0.89%; 6 homozygotes.

Submissions (3):

Labcorp Genetics (formerly Invitae), Labcorp
Classification: Benign. Last evaluated: 2025-12-23. Review status: criteria provided, single submitter. Criteria: Invitae Variant Classification Sherloc (09022015). Collection method: clinical testing. Allele origin: germline.

PreventionGenetics, part of Exact Sciences
Classification: Likely benign for CREB3L3-related condition. Last evaluated: 2024-12-10. Review status: criteria provided, single submitter. Criteria: ACMG Guidelines, 2015. Collection method: clinical testing. Allele origin: germline.
Comment: This variant is classified as likely benign based on ACMG/AMP sequence variant interpretation guidelines (Richards et al. 2015 PMID: 25741868, with internal and published modifications).

CeGaT Center for Human Genetics Tuebingen
Classification: Likely benign. Last evaluated: 2024-02-01. Review status: criteria provided, single submitter. Criteria: CeGaT Center For Human Genetics Tuebingen Variant Classification Criteria Version 2. Collection method: clinical testing. Allele origin: germline. Affected: yes. Observed: 1 variant allele.
Comment: CREB3L3: BP4, BS2

NM_032607.3(CREB3L3):c.334G>A (p.Gly112Ser)

Gene: CREB3L3 (cAMP responsive element binding protein 3 like 3; plus strand). Cytogenetic location: 19p13.3.
Variant type: single nucleotide variant.
Coding change: c.334G>A on transcript NM_032607.3 (MANE Select); coding-DNA position 334, G replaced by A.
Protein change: p.Gly112Ser; replaces glycine 112 with serine.
Molecular consequence: missense variant.
Genome position (GRCh38, 1-based): chr19:4,157,172, G>A. VCF-style: chr19-4157172-G-A. GRCh37 (hg19) VCF-style: chr19-4157169-G-A.
Other names: c.331G>A, p.Gly111Ser (NM_001271995.2); c.334G>A, p.Gly112Ser (NM_001271996.2, NM_001271997.2); c.334G>A (NM_032607.2); short protein forms G111S, G112S.
Identifiers: ClinVar variation 1164184 (VCV001164184.32), dbSNP rs145839480, ClinGen allele CA9091275.
Genomic context (GRCh38, chr19:4,157,172, plus strand): 5'-GACCTCCCCTCCGACCCCCAGGACACCCCTCCACGCAGCGGACCAGCCACCTCCCCCGCC[G>A]GCTGCCATCCTGCCCAGCCTGGCAAGGGGCCCTGCCTCTCCTATCATCCTGGCAACTCTT-3'
Protein context (NP_115996.1, residues 102-122): PRSGPATSPA[Gly112Ser]CHPAQPGKGP